The following is an entry in ClinVar:

NM_001032386.2(SUOX):c.1099G>T (p.Val367Leu)

Gene: SUOX (sulfite oxidase; plus strand). Cytogenetic location: 12q13.2.
Variant type: single nucleotide variant.
Coding change: c.1099G>T on transcript NM_001032386.2 (MANE Select); coding-DNA position 1099, G replaced by T.
Protein change: p.Val367Leu; replaces valine 367 with leucine.
Molecular consequence: missense variant.
Genome position (GRCh38, 1-based): chr12:56,004,488, G>T. VCF-style: chr12-56004488-G-T. GRCh37 (hg19) VCF-style: chr12-56398272-G-T.
Other names: c.1099G>T, p.Val367Leu (NM_000456.3, NM_001032387.2); short protein forms V367L.
Identifiers: ClinVar variation 1475773 (VCV001475773.7), dbSNP rs1565799390, ClinGen allele CA385291028.

ClinVar aggregate classification (germline): Uncertain significance (1 of 4 stars; one submission).

Conditions:
Sulfite oxidase deficiency. Also called: Isolated sulfite oxidase deficiency. Identifiers: Orphanet 833, Orphanet 99731, MedGen C0268624, MONDO:0010089, OMIM 272300, HP:0003643.

Submission:

Labcorp Genetics (formerly Invitae), Labcorp
Classification: Uncertain significance for Sulfite oxidase deficiency. Last evaluated: 2023-08-04. Review status: criteria provided, single submitter. Criteria: Invitae Variant Classification Sherloc (09022015). Collection method: clinical testing. Allele origin: germline.
Comment: In summary, the available evidence is currently insufficient to determine the role of this variant in disease. Therefore, it has been classified as a Variant of Uncertain Significance. Advanced modeling of protein sequence and biophysical properties (such as structural, functional, and spatial information, amino acid conservation, physicochemical variation, residue mobility, and thermodynamic stability) performed at Invitae indicates that this missense variant is not expected to disrupt SUOX protein function. ClinVar contains an entry for this variant (Variation ID: 1475773). This variant has not been reported in the literature in individuals affected with SUOX-related conditions. This variant is not present in population databases (gnomAD no frequency). This sequence change replaces valine, which is neutral and non-polar, with leucine, which is neutral and non-polar, at codon 367 of the SUOX protein (p.Val367Leu).